The following is an entry in ClinVar:

NM_001134407.3(GRIN2A):c.904G>C (p.Ala302Pro)

Gene: GRIN2A (glutamate ionotropic receptor NMDA type subunit 2A; minus strand). Cytogenetic location: 16p13.2.
Variant type: single nucleotide variant.
Coding change: c.904G>C on transcript NM_001134407.3 (MANE Select); coding-DNA position 904, G replaced by C.
Protein change: p.Ala302Pro; replaces alanine 302 with proline.
Molecular consequence: missense variant.
Genome position (GRCh38, 1-based): chr16:9,938,062, C>G on the plus strand (G>C on the coding strand, the complement: GRIN2A is on the minus strand). VCF-style: chr16-9938062-C-G. GRCh37 (hg19) VCF-style: chr16-10031919-C-G.
Other names: c.904G>C, p.Ala302Pro (NM_000833.5, NM_001134408.2); short protein forms A302P.
Identifiers: ClinVar variation 2126411 (VCV002126411.4), dbSNP rs901717931, ClinGen allele CA394798251.

ClinVar aggregate classification (germline): Uncertain significance (1 of 4 stars; one submission).

Conditions:
Landau-Kleffner syndrome (FESD). Also called: EPILEPSY, FOCAL, WITH SPEECH DISORDER AND WITH OR WITHOUT MENTAL RETARDATION; APHASIA, ACQUIRED, WITH EPILEPSY. Identifiers: Orphanet 1945, Orphanet 725, Orphanet 98818, MedGen C0282512, MONDO:0009509, OMIM 245570.

Submission:

Labcorp Genetics (formerly Invitae), Labcorp
Classification: Uncertain significance for Landau-Kleffner syndrome. Last evaluated: 2022-04-15. Review status: criteria provided, single submitter. Criteria: Invitae Variant Classification Sherloc (09022015). Collection method: clinical testing. Allele origin: germline.
Comment: In summary, the available evidence is currently insufficient to determine the role of this variant in disease. Therefore, it has been classified as a Variant of Uncertain Significance. Advanced modeling of protein sequence and biophysical properties (such as structural, functional, and spatial information, amino acid conservation, physicochemical variation, residue mobility, and thermodynamic stability) performed at Invitae indicates that this missense variant is expected to disrupt GRIN2A protein function. This variant has not been reported in the literature in individuals affected with GRIN2A-related conditions. This variant is not present in population databases (gnomAD no frequency). This sequence change replaces alanine, which is neutral and non-polar, with proline, which is neutral and non-polar, at codon 302 of the GRIN2A protein (p.Ala302Pro).